The following is an entry in ClinVar:

NM_000128.4(F11):c.1852A>G (p.Ile618Val)

Genes: F11 (coagulation factor XI; plus strand), F11-AS1 (F11 antisense RNA 1; minus strand). Cytogenetic location: 4q35.2.
Variant type: single nucleotide variant.
Coding change: c.1852A>G on transcript NM_000128.4 (MANE Select); coding-DNA position 1852, A replaced by G.
Protein change: p.Ile618Val; replaces isoleucine 618 with valine.
Molecular consequence: missense variant. On other transcripts: non-coding transcript variant (1).
Genome position (GRCh38, 1-based): chr4:186,288,588, A>G. VCF-style: chr4-186288588-A-G. GRCh37 (hg19) VCF-style: chr4-187209742-A-G.
Other names: short protein forms I618V.
Identifiers: ClinVar variation 1676751 (VCV001676751.1), dbSNP rs2126791743, ClinGen allele CA358946294.

ClinVar aggregate classification (germline): Uncertain significance (1 of 4 stars; one submission).

Conditions:
Hereditary factor XI deficiency disease. Also called: Congenital factor XI deficiency; PLASMA THROMBOPLASTIN ANTECEDENT DEFICIENCY; PTA DEFICIENCY; ROSENTHAL SYNDROME. Identifiers: Orphanet 329, MedGen C0015523, MeSH D005173, MONDO:0012897, OMIM 612416.

Allele frequency attached by ClinVar (database versions not stated): gnomAD exomes below 0.00001.
gnomAD v4.1: 1 of 1,614,134 alleles (0.000062%); highest among the groups gnomAD compares: Non-Finnish European, 0.000085%; no homozygotes.

Submission:

ISTH-SSC Genomics in Thrombosis and Hemostasis, KU Leuven, Center for Molecular and Vascular Biology
Classification: Uncertain significance for Hereditary factor XI deficiency disease. Review status: criteria provided, single submitter. Criteria: ACMG Guidelines, 2015. Collection method: clinical testing. Allele origin: unknown. Affected: yes.
Comment: Submitted to GoldVariant by Kathleen Freson, Center for Molecular and Vascular Biology, Leuven, Belgium

Literature cited by the submitters: PubMed 34355501.